The following is an entry in ClinVar:

ClinVar aggregate classification (germline): Uncertain significance (1 of 4 stars; one submission).

Conditions:
Gastrointestinal stromal tumor. Also called: Gastrointestinal stromal tumor, somatic; Gastrointestinal stroma tumor. Identifiers: Orphanet 44890, MedGen C0238198, MeSH D046152, MONDO:0011719, OMIM 606764, HP:0100723.
Pheochromocytoma/paraganglioma syndrome 4. Also called: CAROTID BODY TUMORS AND MULTIPLE EXTRAADRENAL PHEOCHROMOCYTOMAS; SDHB-Related Hereditary Paraganglioma-Pheochromocytoma Syndrome; Paragangliomas 4; SDHB-Related Hereditary Paraganglioma-Pheochromocytoma Syndrome (Paragangliomas 4); PARAGANGLIOMA, FAMILIAL MALIGNANT; PARAGANGLIOMAS, HEREDITARY EXTRAADRENAL. Identifiers: Orphanet 29072, MedGen C1861848, MONDO:0007273, OMIM 115310.
Pheochromocytoma. Also called: MAX-Related Hereditary Paraganglioma-Pheochromocytoma Syndrome. Identifiers: Orphanet 29072, MedGen C0031511, MONDO:0008233, OMIM 171300, HP:0002666.

Submission:

Labcorp Genetics (formerly Invitae), Labcorp
Classification: Uncertain significance for Gastrointestinal stromal tumor; Pheochromocytoma/paraganglioma syndrome 4; Pheochromocytoma. Last evaluated: 2022-08-09. Review status: criteria provided, single submitter. Criteria: Invitae Variant Classification Sherloc (09022015). Collection method: clinical testing. Allele origin: germline.
Comment: This sequence change replaces glutamic acid, which is acidic and polar, with glutamine, which is neutral and polar, at codon 185 of the SDHB protein (p.Glu185Gln). This variant is not present in population databases (gnomAD no frequency). This variant has not been reported in the literature in individuals affected with SDHB-related conditions. ClinVar contains an entry for this variant (Variation ID: 940971). In summary, the available evidence is currently insufficient to determine the role of this variant in disease. Therefore, it has been classified as a Variant of Uncertain Significance. Advanced modeling of protein sequence and biophysical properties (such as structural, functional, and spatial information, amino acid conservation, physicochemical variation, residue mobility, and thermodynamic stability) performed at Invitae indicates that this missense variant is expected to disrupt SDHB protein function.

NM_003000.3(SDHB):c.553G>C (p.Glu185Gln)

Gene: SDHB (succinate dehydrogenase complex iron sulfur subunit B; minus strand). Cytogenetic location: 1p36.13.
Variant type: single nucleotide variant.
Coding change: c.553G>C on transcript NM_003000.3 (MANE Select); coding-DNA position 553, G replaced by C.
Protein change: p.Glu185Gln; replaces glutamic acid 185 with glutamine.
Molecular consequence: missense variant.
Genome position (GRCh38, 1-based): chr1:17,024,062, C>G on the plus strand (G>C on the coding strand, the complement: SDHB is on the minus strand). VCF-style: chr1-17024062-C-G. GRCh37 (hg19) VCF-style: chr1-17350557-C-G.
Other names: short protein forms E185Q.
Identifiers: ClinVar variation 940971 (VCV000940971.7), dbSNP rs1045881797, ClinGen allele CA338271423.